The following is an entry in ClinVar:

NM_001037.5(SCN1B):c.544T>C (p.Tyr182His)

Gene: SCN1B (sodium voltage-gated channel beta subunit 1; plus strand). Cytogenetic location: 19q13.11.
Variant type: single nucleotide variant.
Coding change: c.544T>C on transcript NM_001037.5 (MANE Select); coding-DNA position 544, T replaced by C.
Protein change: p.Tyr182His; replaces tyrosine 182 with histidine.
Molecular consequence: missense variant.
Genome position (GRCh38, 1-based): chr19:35,039,212, T>C. VCF-style: chr19-35039212-T-C. GRCh37 (hg19) VCF-style: chr19-35530116-T-C.
Other names: c.445T>C, p.Tyr149His (NM_001321605.2); short protein forms Y182H, Y149H.
Identifiers: ClinVar variation 4160589 (VCV004160589.1).

ClinVar aggregate classification (germline): Uncertain significance (1 of 4 stars; one submission).

Conditions:
Cardiovascular phenotype. Identifiers: MedGen CN230736.

Submission:

Ambry Genetics
Classification: Uncertain significance for Cardiovascular phenotype. Last evaluated: 2025-07-30. Review status: criteria provided, single submitter. Criteria: Ambry Variant Classification Scheme 2023. Collection method: clinical testing. Allele origin: germline.
Comment: The p.Y182H variant (also known as c.544T>C), located in coding exon 4 of the SCN1B gene, results from a T to C substitution at nucleotide position 544. The tyrosine at codon 182 is replaced by histidine, an amino acid with similar properties. This amino acid position is conserved. In addition, this alteration is predicted to be deleterious by in silico analysis. Based on the available evidence, the clinical significance of this variant remains unclear.